The following is an entry in ClinVar:

NM_206937.2(LIG4):c.2042G>A (p.Arg681Lys)

Gene: LIG4 (DNA ligase 4; minus strand). Cytogenetic location: 13q33.3.
Variant type: single nucleotide variant.
Coding change: c.2042G>A on transcript NM_206937.2 (MANE Select); coding-DNA position 2042, G replaced by A.
Protein change: p.Arg681Lys; replaces arginine 681 with lysine.
Molecular consequence: missense variant.
Genome position (GRCh38, 1-based): chr13:108,209,227, C>T on the plus strand (G>A on the coding strand, the complement: LIG4 is on the minus strand). VCF-style: chr13-108209227-C-T. GRCh37 (hg19) VCF-style: chr13-108861575-C-T.
Other names: c.2042G>A, p.Arg681Lys (NM_001098268.2, NM_001352598.2, NM_001352599.2 and 6 more transcripts); c.1841G>A, p.Arg614Lys (NM_001330595.2); c.2078G>A, p.Arg693Lys (NM_001352604.2); short protein forms R614K, R681K, R693K.
Identifiers: ClinVar variation 2039514 (VCV002039514.1), dbSNP rs769579059, ClinGen allele CA7043566.

ClinVar aggregate classification (germline): Uncertain significance (1 of 4 stars; one submission).

Conditions:
DNA ligase IV deficiency. Identifiers: Orphanet 99812, MedGen C1847827, MONDO:0011686, OMIM 606593.

Allele frequency attached by ClinVar (database versions not stated): TOPMed below 0.00001; ExAC 0.00001.

Submission:

Labcorp Genetics (formerly Invitae), Labcorp
Classification: Uncertain significance for DNA ligase IV deficiency. Last evaluated: 2022-06-15. Review status: criteria provided, single submitter. Criteria: Invitae Variant Classification Sherloc (09022015). Collection method: clinical testing. Allele origin: germline.
Comment: This sequence change replaces arginine, which is basic and polar, with lysine, which is basic and polar, at codon 681 of the LIG4 protein (p.Arg681Lys). This variant is present in population databases (rs769579059, gnomAD 0.0009%). This variant has not been reported in the literature in individuals affected with LIG4-related conditions. Algorithms developed to predict the effect of missense changes on protein structure and function (SIFT, PolyPhen-2, Align-GVGD) all suggest that this variant is likely to be tolerated. In summary, the available evidence is currently insufficient to determine the role of this variant in disease. Therefore, it has been classified as a Variant of Uncertain Significance.